The following is an entry in ClinVar:

NM_001370466.1(NOD2):c.1594G>A (p.Gly532Ser)

Gene: NOD2 (nucleotide binding oligomerization domain containing 2; plus strand). Cytogenetic location: 16q12.1.
Variant type: single nucleotide variant.
Coding change: c.1594G>A on transcript NM_001370466.1 (MANE Select); coding-DNA position 1594, G replaced by A.
Protein change: p.Gly532Ser; replaces glycine 532 with serine.
Molecular consequence: missense variant. On other transcripts: non-coding transcript variant (1).
Genome position (GRCh38, 1-based): chr16:50,711,586, G>A. VCF-style: chr16-50711586-G-A. GRCh37 (hg19) VCF-style: chr16-50745497-G-A.
Other names: CARD15; c.1594G>A, p.Gly532Ser (NM_001293557.2); c.1675G>A, p.Gly559Ser (NM_022162.3); short protein forms G532S, G559S.
Identifiers: ClinVar variation 3777046 (VCV003777046.1), dbSNP rs369310865.

ClinVar aggregate classification (germline): Uncertain significance (1 of 4 stars; one submission).

Conditions:
Blau syndrome (BLAUS). Also called: ARTHROCUTANEOUVEAL GRANULOMATOSIS; GRANULOMATOSIS, FAMILIAL JUVENILE SYSTEMIC; GRANULOMATOSIS, FAMILIAL, BLAU TYPE; GRANULOMATOUS INFLAMMATORY ARTHRITIS, DERMATITIS, AND UVEITIS, FAMILIAL; JABS SYNDROME. Identifiers: Orphanet 90340, MedGen C5201146, MONDO:0008523, OMIM 186580.
Inflammatory bowel disease 1 (IBD1). Also called: Inflammatory bowel disease 1, Crohn disease; INFLAMMATORY BOWEL DISEASE (CROHN DISEASE) 1. Identifiers: MedGen CN260071, MONDO:0009960, OMIM 266600.

gnomAD v4.1: 6 of 1,611,538 alleles (0.00037%); highest among the groups gnomAD compares: Non-Finnish European, 0.00042%; no homozygotes.

Submission:

Laboratory of Medical Genetics Unit, Bambino Gesù Children's Hospital
Classification: Uncertain significance for Inflammatory bowel disease 1; Blau syndrome. Last evaluated: 2025-03-02. Review status: criteria provided, single submitter. Criteria: ACMG Guidelines, 2015. Collection method: clinical testing. Allele origin: maternal. Affected: yes. Observed: 1 heterozygote.
Comment: This variant has not been reported in the literature in affected individuals, is present in population databases (rs369310865, GnomAD 0.0008%). In summary, the available evidence is currently insufficient to determine the role of this variant in disease. Therefore, it has been classified as a Variant of Uncertain Significance.